The following is an entry in ClinVar:

NM_005359.6(SMAD4):c.386_387del (p.Asn129fs)

Gene: SMAD4 (SMAD family member 4; plus strand). Cytogenetic location: 18q21.2.
Variant type: Deletion.
Coding change: c.386_387del on transcript NM_005359.6 (MANE Select); coding-DNA positions 386 to 387, 2 bases deleted (AT; older notation c.386_387delAT).
Protein change: p.Asn129fs; shifts the reading frame from asparagine 129.
Molecular consequence: frameshift variant. On other transcripts: non-coding transcript variant (2).
Genome position (GRCh38, 1-based): chr18:51,048,822-51,048,823, AT deleted. VCF-style (leftmost placement, unchanged base first): chr18-51048821-AAT-A. GRCh37 (hg19) VCF-style: chr18-48575191-AAT-A.
Other names: c.386_387del, p.Asn129fs (NM_001407041.1, NM_001407042.1, NM_001407043.1); short protein forms N129fs.
Identifiers: ClinVar variation 4085861 (VCV004085861.8).

ClinVar aggregate classification (germline): Pathogenic (1 of 4 stars; one submission).

Submission:

CeGaT Center for Human Genetics Tuebingen
Classification: Pathogenic. Last evaluated: 2025-08-01. Review status: criteria provided, single submitter. Criteria: CeGaT Center For Human Genetics Tuebingen Variant Classification Criteria Version 2. Collection method: clinical testing. Allele origin: germline. Affected: yes. Observed: 1 variant allele.
Comment: SMAD4: PVS1, PM2